The following is an entry in ClinVar:

ClinVar aggregate classification (germline): Uncertain significance (1 of 4 stars; one submission).

Submission:

CeGaT Center for Human Genetics Tuebingen
Classification: Uncertain significance. Last evaluated: 2026-08-01. Review status: criteria provided, single submitter. Criteria: CeGaT Center For Human Genetics Tuebingen Variant Classification Criteria Version 2. Collection method: clinical testing. Allele origin: germline. Affected: yes. Observed: 1 variant allele.
Comment: KIF1A: PM2, PP3

NM_001244008.2(KIF1A):c.4125G>A (p.Met1375Ile)

Gene: KIF1A (kinesin family member 1A; minus strand). Cytogenetic location: 2q37.3.
Variant type: single nucleotide variant.
Coding change: c.4125G>A on transcript NM_001244008.2 (MANE Select); coding-DNA position 4125, G replaced by A.
Protein change: p.Met1375Ile; replaces methionine 1375 with isoleucine.
Molecular consequence: missense variant.
Genome position (GRCh38, 1-based): chr2:240,725,402, C>T on the plus strand (G>A on the coding strand, the complement: KIF1A is on the minus strand). VCF-style: chr2-240725402-C-T. GRCh37 (hg19) VCF-style: chr2-241664819-C-T.
Other names: c.3849G>A, p.Met1283Ile (NM_001320705.2, NM_001379649.1); c.3876G>A, p.Met1292Ile (NM_001330289.2); c.3924G>A, p.Met1308Ile (NM_001330290.2, NM_001379648.1); c.4200G>A, p.Met1400Ile (NM_001379631.1); c.4101G>A, p.Met1367Ile (NM_001379632.1); c.4098G>A, p.Met1366Ile (NM_001379633.1, NM_001379645.1); c.3951G>A, p.Met1317Ile (NM_001379634.1); c.3948G>A, p.Met1316Ile (NM_001379635.1, NM_001379646.1); and 7 more; short protein forms M1273I, M1274I, M1282I, M1283I, M1291I, M1292I, M1299I, M1308I.
Identifiers: ClinVar variation 5039874 (VCV005039874.1).